The following is an entry in ClinVar:

NM_018723.4(RBFOX1):c.1163G>A (p.Arg388Gln)

Gene: RBFOX1 (RNA binding fox-1 homolog 1; plus strand). Cytogenetic location: 16p13.3.
Variant type: single nucleotide variant.
Coding change: c.1163G>A on transcript NM_018723.4 (MANE Select); coding-DNA position 1163, G replaced by A.
Protein change: p.Arg388Gln; replaces arginine 388 with glutamine.
Molecular consequence: missense variant. On other transcripts: 3 prime UTR variant (20).
Genome position (GRCh38, 1-based): chr16:7,710,714, G>A. VCF-style: chr16-7710714-G-A. GRCh37 (hg19) VCF-style: chr16-7760716-G-A.
Other names: c.1082G>A, p.Arg361Gln (NM_001142333.2); c.1163G>A, p.Arg388Gln (NM_001142334.2); c.*91G>A (NM_001364800.2, NM_001415887.1, NM_001415895.1 and 12 more transcripts); c.1679G>A, p.Arg560Gln (NM_001415888.1); c.*1073G>A (NM_001415889.1, NM_001415890.1); c.1292G>A, p.Arg431Gln (NM_001415891.1); c.1271G>A, p.Arg424Gln (NM_001415892.1); c.1238G>A, p.Arg413Gln (NM_001415893.1); and 11 more; short protein forms R390Q, R408Q, R409Q, R361Q, R382Q, R383Q, R404Q, R357Q.
Identifiers: ClinVar variation 2955706 (VCV002955706.3), dbSNP rs747612014, ClinGen allele CA7892035.

ClinVar aggregate classification (germline): Uncertain significance (1 of 4 stars; one submission).

Conditions:
Idiopathic generalized epilepsy. Also called: EIG; Generalised epilepsy. Identifiers: MedGen C0270850, MONDO:0005579, OMIM 600669.

Allele frequency attached by ClinVar (database versions not stated): gnomAD exomes below 0.00001; ExAC 0.00001.
gnomAD v4.1: 7 of 1,607,540 alleles (0.00044%); highest among the groups gnomAD compares: Non-Finnish European, 0.00051%; no homozygotes.

Submission:

Labcorp Genetics (formerly Invitae), Labcorp
Classification: Uncertain significance for Idiopathic generalized epilepsy. Last evaluated: 2023-04-06. Review status: criteria provided, single submitter. Criteria: Invitae Variant Classification Sherloc (09022015). Collection method: clinical testing. Allele origin: germline.
Comment: This sequence change replaces arginine, which is basic and polar, with glutamine, which is neutral and polar, at codon 409 of the RBFOX1 protein (p.Arg409Gln). The frequency data for this variant in the population databases is considered unreliable, as metrics indicate poor data quality at this position in the gnomAD database. In summary, the available evidence is currently insufficient to determine the role of this variant in disease. Therefore, it has been classified as a Variant of Uncertain Significance. An algorithm developed to predict the effect of missense changes on protein structure and function (PolyPhen-2) suggests that this variant is likely to be disruptive. This variant has not been reported in the literature in individuals affected with RBFOX1-related conditions.